The following is an entry in ClinVar:

NM_004380.3(CREBBP):c.877G>A (p.Val293Met)

Gene: CREBBP (CREB binding lysine acetyltransferase; minus strand). Cytogenetic location: 16p13.3.
Variant type: single nucleotide variant.
Coding change: c.877G>A on transcript NM_004380.3 (MANE Select); coding-DNA position 877, G replaced by A.
Protein change: p.Val293Met; replaces valine 293 with methionine.
Molecular consequence: missense variant.
Genome position (GRCh38, 1-based): chr16:3,810,701, C>T on the plus strand (G>A on the coding strand, the complement: CREBBP is on the minus strand). VCF-style: chr16-3810701-C-T. GRCh37 (hg19) VCF-style: chr16-3860702-C-T.
Other names: c.877G>A, p.Val293Met (NM_001079846.1); short protein forms V293M.
Identifiers: ClinVar variation 4531609 (VCV004531609.1).

ClinVar aggregate classification (germline): Uncertain significance (1 of 4 stars; one submission).

Conditions:
Rubinstein-Taybi syndrome due to CREBBP mutations (RSTS1). Also called: RUBINSTEIN SYNDROME; CREBBP-Related Rubinstein-Taybi Syndrome; RUBINSTEIN-TAYBI SYNDROME 1, INCOMPLETE; BROAD THUMB-HALLUX SYNDROME; Rubinstein-Taybi syndrome 1; BROAD THUMBS AND GREAT TOES, CHARACTERISTIC FACIES, AND IMPAIRED INTELLECTUAL DEVELOPMENT. Identifiers: Orphanet 353277, Orphanet 783, MedGen C4551859, MONDO:0008393, OMIM 180849.

Submission:

Victorian Clinical Genetics Services, Murdoch Childrens Research Institute
Classification: Uncertain significance for Rubinstein-Taybi syndrome due to CREBBP mutations. Last evaluated: 2024-10-10. Review status: criteria provided, single submitter. Criteria: ACMG Guidelines, 2015. Collection method: clinical testing. Allele origin: germline. Affected: yes.
Comment: This variant is classified as VUS-3C. Evidence in support of pathogenic classification: Variant is present in gnomAD <0.001 for a dominant condition (v4: 2 heterozygote(s), 0 homozygote(s), # hemizygote(s)). Additional information: Variant is predicted to result in a missense amino acid change from valine to methionine; This variant is heterozygous; This gene is associated with autosomal dominant disease; An alternative amino acid change at the same position has been observed in gnomAD (v4: 6 heterozygote(s), 0 homozygote(s)); This variant has no previous evidence of pathogenicity; No published segregation evidence has been identified for this variant; No published functional evidence has been identified for this variant; Another missense variant comparable to the one identified in this case has inconclusive previous evidence for pathogenicity. The p.(Val293Glu) variant has been reported once as a VUS in ClinVar by a clinical laboratory; Variant is not located in an established domain, motif, hotspot or informative constraint region; Missense variant with an inconclusive in silico prediction and high conservation; Loss of function is a known mechanism of disease in this gene and is associated with Menke-Hennekam syndrome 1 (MIM#618332) and Rubinstein-Taybi syndrome 1 (MIM#180849); Inheritance information for this variant is not currently available in this individual.